The following is an entry in ClinVar:

ClinVar aggregate classification (germline): Pathogenic. Review status: criteria provided, multiple submitters, no conflicts (2 of 4 stars). 6 submissions from 6 submitters: Pathogenic (6). Last evaluated 2025-07-25.

Conditions:
Glutaric acidemia type 2C.
Multiple acyl-CoA dehydrogenase deficiency (MADD). Also called: ETHYLMALONIC-ADIPICACIDURIA; GA II; Glutaric aciduria, type 2; Glutaric acidemia type II; GA 2; Glutaric Acidemia type 2. Identifiers: Orphanet 26791, MedGen C0268596, MONDO:0009282, OMIM 231680.

Submissions (6):

Natera, Inc.
Classification: Pathogenic for Glutaric acidemia type 2C. Last evaluated: 2025-07-25. Review status: criteria provided, single submitter. Criteria: Natera Variant Classification Schema (03/2026). Collection method: clinical testing. Allele origin: germline.
Comment: The c.1648_1649delCT variant in ETFDH is a frameshift variant predicted to shift the reading frame beginning at codon 550 and leads to a stop codon 4 codons downstream. This variant is expected to result in nonsense mediated decay, truncation, or a dysfunctional protein product. This variant is rare in the general population with a frequency below the threshold expected for the associated phenotype(s). This variant has been observed in one or more individuals affected with the associated recessive disease, as either homozygous or compound heterozygous with a second variant (PMID: 24190796, 34064479). Given the available evidence, this variant is classified as Pathogenic.

Fulgent Genetics
Classification: Pathogenic for Multiple acyl-CoA dehydrogenase deficiency. Last evaluated: 2024-02-28. Review status: criteria provided, single submitter. Criteria: ACMG Guidelines, 2015. Collection method: clinical testing. Allele origin: germline.

Labcorp Genetics (formerly Invitae), Labcorp
Classification: Pathogenic for Multiple acyl-CoA dehydrogenase deficiency. Last evaluated: 2023-09-26. Review status: criteria provided, single submitter. Criteria: Invitae Variant Classification Sherloc (09022015). Collection method: clinical testing. Allele origin: germline.
Comment: This sequence change creates a premature translational stop signal (p.Leu550Valfs*4) in the ETFDH gene. While this is not anticipated to result in nonsense mediated decay, it is expected to disrupt the last 68 amino acid(s) of the ETFDH protein. This variant is present in population databases (no rsID available, gnomAD 0.0009%). This premature translational stop signal has been observed in individual(s) with clinical features of multiple acyl-CoA dehydrogenase deficiency (PMID: 24190796). ClinVar contains an entry for this variant (Variation ID: 802104). This variant disrupts a region of the ETFDH protein in which other variant(s) (p.Trp603*) have been determined to be pathogenic (PMID: 21907580; Invitae). This suggests that this is a clinically significant region of the protein, and that variants that disrupt it are likely to be disease-causing. For these reasons, this variant has been classified as Pathogenic.

Baylor Genetics
Classification: Pathogenic for Multiple acyl-CoA dehydrogenase deficiency. Last evaluated: 2023-09-09. Review status: criteria provided, single submitter. Criteria: ACMG Guidelines, 2015. Collection method: clinical testing. Allele origin: unknown.

Revvity Omics, Revvity
Classification: Pathogenic for Multiple acyl-CoA dehydrogenase deficiency. Last evaluated: 2021-10-28. Review status: criteria provided, single submitter. Criteria: ACMG Guidelines, 2015. Collection method: clinical testing. Allele origin: germline.

Mendelics
Classification: Pathogenic for Multiple acyl-CoA dehydrogenase deficiency. Last evaluated: 2019-05-28. Review status: criteria provided, single submitter. Criteria: Mendelics Assertion Criteria 2017. Collection method: clinical testing. Allele origin: unknown.

Literature cited by the submitters: PubMed 24190796 (cited by Natera, Inc. and Labcorp Genetics (formerly Invitae), Labcorp); PubMed 34064479 (cited by Natera, Inc.); PubMed 21907580 (cited by Labcorp Genetics (formerly Invitae), Labcorp).

NM_004453.4(ETFDH):c.1648_1649del (p.Leu550fs)

Gene: ETFDH (electron transfer flavoprotein dehydrogenase; plus strand). Cytogenetic location: 4q32.1.
Variant type: Deletion.
Coding change: c.1648_1649del on transcript NM_004453.4 (MANE Select); coding-DNA positions 1648 to 1649, 2 bases deleted (CT; older notation c.1648_1649delCT).
Protein change: p.Leu550fs; shifts the reading frame from leucine 550.
Molecular consequence: frameshift variant.
Genome position (GRCh38, 1-based): chr4:158,706,808-158,706,809, CT deleted; deleting any 2 consecutive bases within chr4:158,706,807-158,706,809 gives the same sequence; the c. name uses the placement nearest the transcript's 3' end. VCF-style (leftmost placement, unchanged base first): chr4-158706806-ATC-A. GRCh37 (hg19) VCF-style: chr4-159627958-ATC-A.
Other names: c.1507_1508del, p.Leu503fs (NM_001281737.2); c.1465_1466del, p.Leu489fs (NM_001281738.1); c.1648_1649delCT (NM_004453.3); short protein forms L489fs, L503fs, L550fs.
Identifiers: ClinVar variation 802104 (VCV000802104.17), dbSNP rs1469053638, ClinGen allele CA555972617.